The following is an entry in ClinVar:

ClinVar aggregate classification (germline): Uncertain significance. Review status: criteria provided, multiple submitters, no conflicts (2 of 4 stars). 5 submissions from 5 submitters: Uncertain significance (5). Last evaluated 2025-07-29.

Conditions:
Familial meningioma. Also called: Meningioma, familial, susceptibility to. Identifiers: Orphanet 263662, MedGen C3551915, MONDO:0011789, OMIM 607174.
Hereditary cancer-predisposing syndrome. Also called: Tumor predisposition; Hereditary Cancer Syndrome; Hereditary neoplastic syndrome; Neoplastic Syndromes, Hereditary. Identifiers: Orphanet 140162, MedGen C0027672, MeSH D009386, MONDO:0015356.
Neurofibromatosis, type 2 (SWNV). Also called: BILATERAL ACOUSTIC NEUROFIBROMATOSIS; SCHWANNOMATOSIS, VESTIBULAR; NF2-Related Schwannomatosis. Identifiers: Orphanet 637, MedGen C0027832, MONDO:0007039, OMIM 101000. Disease mechanism: loss of function.

Allele frequency attached by ClinVar (database versions not stated): gnomAD exomes below 0.00001; ExAC 0.00001; gnomAD 0.00001.
gnomAD v4.1: 4 of 1,614,034 alleles (0.00025%); highest among the groups gnomAD compares: African/African-American, 0.0013%; no homozygotes.

Submissions (5):

Color Diagnostics, LLC DBA Color Health
Classification: Uncertain significance for Neurofibromatosis, type 2. Last evaluated: 2025-07-29. Review status: criteria provided, single submitter. Criteria: ACMG Guidelines, 2015. Collection method: clinical testing. Allele origin: germline.
Comment: This missense variant replaces glycine with aspartic acid at codon 569 of the NF2 protein. Computational prediction is inconclusive regarding the impact of this variant on protein structure and function. To our knowledge, functional studies have not been reported for this variant. This variant has not been reported in individuals affected with NF2-related disorders in the literature. This variant has been identified in 1/251008 chromosomes in the general population by the Genome Aggregation Database (gnomAD). The available evidence is insufficient to determine the role of this variant in disease conclusively. Therefore, this variant is classified as a Variant of Uncertain Significance.

GeneDx
Classification: Uncertain significance. Last evaluated: 2025-02-23. Review status: criteria provided, single submitter. Criteria: GeneDx Variant Classification Process June 2021. Collection method: clinical testing. Allele origin: germline. Affected: yes.
Comment: In silico analysis indicates that this missense variant does not alter protein structure/function; Has not been previously published as pathogenic or benign to our knowledge; This variant is associated with the following publications: (PMID: 11756419)

Ambry Genetics
Classification: Uncertain significance for Hereditary cancer-predisposing syndrome. Last evaluated: 2024-08-24. Review status: criteria provided, single submitter. Criteria: Ambry Variant Classification Scheme 2023. Collection method: clinical testing. Allele origin: germline.
Comment: The p.G569D variant (also known as c.1706G>A), located in coding exon 15 of the NF2 gene, results from a G to A substitution at nucleotide position 1706. The glycine at codon 569 is replaced by aspartic acid, an amino acid with similar properties. This amino acid position is well conserved in available vertebrate species. In addition, the in silico prediction for this alteration is inconclusive. Since supporting evidence is limited at this time, the clinical significance of this alteration remains unclear.

Labcorp Genetics (formerly Invitae), Labcorp
Classification: Uncertain significance for Neurofibromatosis, type 2. Last evaluated: 2024-08-13. Review status: criteria provided, single submitter. Criteria: Invitae Variant Classification Sherloc (09022015). Collection method: clinical testing. Allele origin: germline.
Comment: This sequence change replaces glycine, which is neutral and non-polar, with aspartic acid, which is acidic and polar, at codon 569 of the NF2 protein (p.Gly569Asp). This variant is present in population databases (rs781488145, gnomAD 0.0009%). This variant has not been reported in the literature in individuals affected with NF2-related conditions. ClinVar contains an entry for this variant (Variation ID: 819850). Advanced modeling of protein sequence and biophysical properties (such as structural, functional, and spatial information, amino acid conservation, physicochemical variation, residue mobility, and thermodynamic stability) performed at Invitae indicates that this missense variant is not expected to disrupt NF2 protein function with a negative predictive value of 80%. In summary, the available evidence is currently insufficient to determine the role of this variant in disease. Therefore, it has been classified as a Variant of Uncertain Significance.

Baylor Genetics
Classification: Uncertain significance for Familial meningioma. Last evaluated: 2023-11-05. Review status: criteria provided, single submitter. Criteria: ACMG Guidelines, 2015. Collection method: clinical testing. Allele origin: unknown.

NM_000268.4(NF2):c.1706G>A (p.Gly569Asp)

Gene: NF2 (NF2, moesin-ezrin-radixin like (MERLIN) tumor suppressor; plus strand). Cytogenetic location: 22q12.2.
Variant type: single nucleotide variant.
Coding change: c.1706G>A on transcript NM_000268.4 (MANE Select); coding-DNA position 1706, G replaced by A.
Protein change: p.Gly569Asp; replaces glycine 569 with aspartic acid.
Molecular consequence: missense variant. On other transcripts: non-coding transcript variant (1), intron variant (1).
Genome position (GRCh38, 1-based): chr22:29,681,570, G>A. VCF-style: chr22-29681570-G-A. GRCh37 (hg19) VCF-style: chr22-30077559-G-A.
Other names: c.1706G>A, p.Gly569Asp (NM_016418.5, NM_181825.3, NM_181832.3); c.1580G>A, p.Gly527Asp (NM_181828.3); c.1583G>A, p.Gly528Asp (NM_181829.3); c.1457G>A, p.Gly486Asp (NM_181830.3, NM_181831.3); c.448-13182G>A (NM_181833.3); short protein forms G528D, G486D, G527D, G569D.
Identifiers: ClinVar variation 819850 (VCV000819850.14), dbSNP rs781488145, ClinGen allele CA032703.